The following is an entry in ClinVar:

ClinVar aggregate classification (germline): Pathogenic (1 of 4 stars; one submission).

Conditions:
Nephronophthisis. Also called: Juvenile Nephronophthisis. Identifiers: Orphanet 655, MedGen C0687120, MONDO:0019005, HP:0000090.

Submission:

Labcorp Genetics (formerly Invitae), Labcorp
Classification: Pathogenic for Nephronophthisis. Last evaluated: 2022-07-25. Review status: criteria provided, single submitter. Criteria: Invitae Variant Classification Sherloc (09022015). Collection method: clinical testing. Allele origin: germline.
Comment: This variant is not present in population databases (gnomAD no frequency). This sequence change creates a premature translational stop signal (p.Leu46*) in the IQCB1 gene. It is expected to result in an absent or disrupted protein product. Loss-of-function variants in IQCB1 are known to be pathogenic (PMID: 15723066, 21901789, 23559409, 28041643). This variant has not been reported in the literature in individuals affected with IQCB1-related conditions. For these reasons, this variant has been classified as Pathogenic. Algorithms developed to predict the effect of sequence changes on RNA splicing suggest that this variant may disrupt the consensus splice site. ClinVar contains an entry for this variant (Variation ID: 1453820).

Literature cited by the submitters: PubMed 15723066; PubMed 21901789; PubMed 23559409; PubMed 28041643.

NM_001023570.4(IQCB1):c.137T>A (p.Leu46Ter)

Gene: IQCB1 (IQ motif containing B1; minus strand). Cytogenetic location: 3q13.33.
Variant type: single nucleotide variant.
Coding change: c.137T>A on transcript NM_001023570.4 (MANE Select); coding-DNA position 137, T replaced by A.
Protein change: p.Leu46Ter; replaces leucine 46 with a stop codon.
Molecular consequence: nonsense. On other transcripts: non-coding transcript variant (1).
Genome position (GRCh38, 1-based): chr3:121,828,596, A>T on the plus strand (T>A on the coding strand, the complement: IQCB1 is on the minus strand). VCF-style: chr3-121828596-A-T. GRCh37 (hg19) VCF-style: chr3-121547443-A-T.
Other names: c.137T>A, p.Leu46Ter (NM_001023571.4, NM_001319107.2); short protein forms L46*.
Identifiers: ClinVar variation 1453820 (VCV001453820.6), dbSNP rs2108643223, ClinGen allele CA354114174.